The following is an entry in ClinVar:

ClinVar aggregate classification (germline): Likely benign. Review status: criteria provided, multiple submitters, no conflicts (2 of 4 stars). 2 submissions from 2 submitters: Likely benign (2). Last evaluated 2024-03-01.

Conditions:
Niemann-Pick disease, type C1. Also called: NIEMANN-PICK DISEASE, VARIANT TYPE C1; NEUROVISCERAL STORAGE DISEASE WITH VERTICAL SUPRANUCLEAR OPHTHALMOPLEGIA; NIEMANN-PICK DISEASE WITH CHOLESTEROL ESTERIFICATION BLOCK; NIEMANN-PICK DISEASE WITHOUT SPHINGOMYELINASE DEFICIENCY; NIEMANN-PICK DISEASE, CHRONIC NEURONOPATHIC FORM. Identifiers: Orphanet 646, MedGen C3179455, MONDO:0009757, OMIM 257220.

Submissions (2):

CeGaT Center for Human Genetics Tuebingen
Classification: Likely benign. Last evaluated: 2024-03-01. Review status: criteria provided, single submitter. Criteria: CeGaT Center For Human Genetics Tuebingen Variant Classification Criteria Version 2. Collection method: clinical testing. Allele origin: germline. Affected: yes. Observed: 1 variant allele.
Comment: NPC1: PM2:Supporting, BP4, BP7

Labcorp Genetics (formerly Invitae), Labcorp
Classification: Likely benign for Niemann-Pick disease, type C1. Last evaluated: 2021-02-21. Review status: criteria provided, single submitter. Criteria: Invitae Variant Classification Sherloc (09022015). Collection method: clinical testing. Allele origin: germline.

NM_000271.5(NPC1):c.372A>G (p.Thr124=)

Gene: NPC1 (NPC intracellular cholesterol transporter 1; minus strand). Cytogenetic location: 18q11.2.
Variant type: single nucleotide variant.
Coding change: c.372A>G on transcript NM_000271.5 (MANE Select); coding-DNA position 372, A replaced by G.
Protein change: p.Thr124=; no amino-acid change (threonine 124 retained).
Molecular consequence: synonymous variant.
Genome position (GRCh38, 1-based): chr18:23,568,914, T>C on the plus strand (A>G on the coding strand, the complement: NPC1 is on the minus strand). VCF-style: chr18-23568914-T-C. GRCh37 (hg19) VCF-style: chr18-21148878-T-C.
Identifiers: ClinVar variation 1648450 (VCV001648450.29), dbSNP rs748125983, ClinGen allele CA503325642.